The following is an entry in ClinVar:

NM_005120.3(MED12):c.3796C>T (p.Arg1266Cys)

Gene: MED12 (mediator complex subunit 12; plus strand). Cytogenetic location: Xq13.1.
Variant type: single nucleotide variant.
Coding change: c.3796C>T on transcript NM_005120.3 (MANE Select); coding-DNA position 3796, C replaced by T.
Protein change: p.Arg1266Cys; replaces arginine 1266 with cysteine.
Molecular consequence: missense variant.
Genome position (GRCh38, 1-based): chrX:71,129,784, C>T. VCF-style: chrX-71129784-C-T. GRCh37 (hg19) VCF-style: chrX-70349634-C-T.
Other names: short protein forms R1266C.
Identifiers: ClinVar variation 408881 (VCV000408881.14), dbSNP rs1060502168, ClinGen allele CA16616522.

ClinVar aggregate classification (germline): Uncertain significance. Review status: criteria provided, multiple submitters, no conflicts (2 of 4 stars). 2 submissions from 2 submitters: Uncertain significance (2). Last evaluated 2025-09-22.

Conditions:
FG syndrome (FGS). Identifiers: MedGen C0220769, MONDO:0002010.
Familial thoracic aortic aneurysm and aortic dissection (TAAD). Also called: Thoracic aortic aneurysms and dissections. Identifiers: Orphanet 91387, MedGen C4707243, MONDO:0019625.

Allele frequency attached by ClinVar (database versions not stated): gnomAD exomes 0.00001 and 0.00003; TOPMed 0.00001; gnomAD 0.00002.

Submissions (2):

Ambry Genetics
Classification: Uncertain significance for Familial thoracic aortic aneurysm and aortic dissection. Last evaluated: 2025-09-22. Review status: criteria provided, single submitter. Criteria: Ambry Variant Classification Scheme 2023. Collection method: clinical testing. Allele origin: germline.
Comment: The c.3796C>T (p.R1266C) alteration is located in exon 27 (coding exon 27) of the MED12 gene. This alteration results from a C to T substitution at nucleotide position 3796, causing the arginine (R) at amino acid position 1266 to be replaced by a cysteine (C). Based on data from gnomAD, the T allele has an overall frequency of 0.001% (1/176893) total alleles studied. The highest observed frequency was 0.008% (1/13370) of East Asian alleles. Based on insufficient or conflicting evidence, the clinical significance of this alteration remains unclear.

Labcorp Genetics (formerly Invitae), Labcorp
Classification: Uncertain significance for FG syndrome. Last evaluated: 2024-12-31. Review status: criteria provided, single submitter. Criteria: Invitae Variant Classification Sherloc (09022015). Collection method: clinical testing. Allele origin: germline.
Comment: This sequence change replaces arginine, which is basic and polar, with cysteine, which is neutral and slightly polar, at codon 1266 of the MED12 protein (p.Arg1266Cys). This variant is present in population databases (no rsID available, gnomAD 0.008%). This variant has not been reported in the literature in individuals affected with MED12-related conditions. ClinVar contains an entry for this variant (Variation ID: 408881). Invitae Evidence Modeling of protein sequence and biophysical properties (such as structural, functional, and spatial information, amino acid conservation, physicochemical variation, residue mobility, and thermodynamic stability) has been performed for this missense variant. However, the output from this modeling did not meet the statistical confidence thresholds required to predict the impact of this variant on MED12 protein function. In summary, the available evidence is currently insufficient to determine the role of this variant in disease. Therefore, it has been classified as a Variant of Uncertain Significance.